The following is an entry in ClinVar:

ClinVar aggregate classification (germline): Conflicting classifications of pathogenicity. Review status: criteria provided, conflicting classifications (1 of 4 stars). 3 submissions from 3 submitters: Uncertain significance (1); Benign (1). 1 of the submissions does not count toward it. Last evaluated 2025-07-15.

Conditions:
Inborn genetic diseases. Identifiers: MedGen C0950123, MeSH D030342.
White sponge nevus 1. Also called: LEUKOKERATOSIS, HEREDITARY MUCOSAL. Identifiers: MedGen C4011926, MONDO:0008676, OMIM 193900.

Allele frequency attached by ClinVar (database versions not stated): 1000 Genomes Project 30x 0.00016; 1000 Genomes Project 0.00020; ExAC 0.00030; TOPMed 0.00031; gnomAD exomes 0.00032 and 0.00048; gnomAD 0.00035 and 0.00036; ESP Exome Variant Server 0.00069.

Submissions (3):

Ambry Genetics
Classification: Uncertain significance for Inborn genetic diseases. Last evaluated: 2025-07-15. Review status: criteria provided, single submitter. Criteria: Ambry Variant Classification Scheme 2023. Collection method: clinical testing. Allele origin: germline.

Illumina Laboratory Services, Illumina
Classification: Benign for White sponge nevus 1. Last evaluated: 2018-01-13. Review status: criteria provided, single submitter. Criteria: ICSL Variant Classification Criteria 13 December 2019. Collection method: clinical testing. Allele origin: germline.
Comment: This variant was observed in the ICSL laboratory as part of a predisposition screen in an ostensibly healthy population. It had not been previously curated by ICSL or reported in the Human Gene Mutation Database (HGMD: prior to June 1st, 2018), and was therefore a candidate for classification through an automated scoring system. Utilizing variant allele frequency, disease prevalence and penetrance estimates, and inheritance mode, an automated score was calculated to assess if this variant is too frequent to cause the disease. Based on the score and internal cut-off values, a variant classified as benign is not then subjected to further curation. The score for this variant resulted in a classification of benign for this disease.

Department of Pathology and Laboratory Medicine, Sinai Health System
Classification: Uncertain significance. Review status: no assertion criteria provided. Collection method: clinical testing. Allele origin: unknown. Affected: yes. Study: The Canadian Open Genetics Repository (COGR). Not counted in ClinVar's aggregate classification.
Comment: The KRT4 p.Val256Met variant was not identified in the literature but was identified in dbSNP (ID: rs201754946), ClinVar (classified as likely benign by Illumina) and LOVD 3.0 (classified as a VUS). The variant was identified in control databases in 86 of 282030 chromosomes at a frequency of 0.0003049 (Genome Aggregation Database March 6, 2019, v2.1.1). The variant was observed in the following populations: European (non-Finnish) in 83 of 128928 chromosomes (freq: 0.000644), Other in 1 of 7178 chromosomes (freq: 0.000139) and African in 2 of 24534 chromosomes (freq: 0.000082), but was not observed in the Latino, Ashkenazi Jewish, East Asian, European (Finnish), or South Asian populations. The p.Val256 residue is conserved in mammals and computational analyses (PolyPhen-2, SIFT, AlignGVGD, BLOSUM, MutationTaster) provide inconsistent predictions regarding the impact to the protein; this information is not very predictive of pathogenicity. The variant occurs outside of the splicing consensus sequence and three of four in silico or computational prediction software programs (SpliceSiteFinder, MaxEntScan, NNSPLICE, GeneSplicer) do not predict a greater than 10% difference in splicing; this is not very predictive of pathogenicity. In summary, based on the above information the clinical significance of this variant cannot be determined with certainty at this time. This variant is classified as a variant of uncertain significance.

NM_002272.4(KRT4):c.766G>A (p.Val256Met)

Gene: KRT4 (keratin 4; minus strand). Cytogenetic location: 12q13.13.
Variant type: single nucleotide variant.
Coding change: c.766G>A on transcript NM_002272.4 (MANE Select); coding-DNA position 766, G replaced by A.
Protein change: p.Val256Met; replaces valine 256 with methionine.
Molecular consequence: missense variant.
Genome position (GRCh38, 1-based): chr12:52,809,451, C>T on the plus strand (G>A on the coding strand, the complement: KRT4 is on the minus strand). VCF-style: chr12-52809451-C-T. GRCh37 (hg19) VCF-style: chr12-53203235-C-T.
Other names: short protein forms V256M.
Identifiers: ClinVar variation 309682 (VCV000309682.9), dbSNP rs201754946, ClinGen allele CA6588610.
Genomic context (GRCh38, chr12:52,809,451, plus strand): 5'-AGAGGACCTTCAGGAAGTTGATCTCGTCATTAAGACTGTCCACCTTGGCCTCCAACTCCA[C>T]CTTGTTCAGGTAGGCAGCATCCACGTCCTGCAGAGGAGTAAGGAGGATAAGAGATGAGGA-3'
Protein context (NP_002263.3, residues 246-266): KDVDAAYLNK[Val256Met]ELEAKVDSLN